The following is an entry in ClinVar:

ClinVar aggregate classification (germline): Likely benign. Review status: criteria provided, multiple submitters, no conflicts (2 of 4 stars). 2 submissions from 2 submitters: Likely benign (2). Last evaluated 2024-11-06.

Conditions:
KIF23-related disorder. Also called: KIF23-related condition.

Allele frequency attached by ClinVar (database versions not stated): ESP Exome Variant Server 0.00008.
gnomAD v4.1: 77 of 1,611,154 alleles (0.0048%); highest among the groups gnomAD compares: Middle Eastern, 0.066%; no homozygotes.

Submissions (2):

PreventionGenetics, part of Exact Sciences
Classification: Likely benign for KIF23-related condition. Last evaluated: 2024-11-06. Review status: criteria provided, single submitter. Criteria: ACMG Guidelines, 2015. Collection method: clinical testing. Allele origin: germline.
Comment: This variant is classified as likely benign based on ACMG/AMP sequence variant interpretation guidelines (Richards et al. 2015 PMID: 25741868, with internal and published modifications).

Labcorp Genetics (formerly Invitae), Labcorp
Classification: Likely benign. Last evaluated: 2024-01-23. Review status: criteria provided, single submitter. Criteria: Invitae Variant Classification Sherloc (09022015). Collection method: clinical testing. Allele origin: germline.

NM_001367805.3(KIF23):c.1929+10G>A

Gene: KIF23 (kinesin family member 23; plus strand). Cytogenetic location: 15q23.
Variant type: single nucleotide variant.
Coding change: c.1929+10G>A on transcript NM_001367805.3 (MANE Select); 10 bases into the intron after coding-DNA position 1929, G replaced by A.
Molecular consequence: intron variant.
Genome position (GRCh38, 1-based): chr15:69,440,087, G>A. VCF-style: chr15-69440087-G-A. GRCh37 (hg19) VCF-style: chr15-69732426-G-A.
Other names: c.1887+10G>A (NM_138555.4, NM_001367804.2, NM_004856.7 and 1 more transcripts); c.1557+10G>A (NM_001281301.2).
Identifiers: ClinVar variation 2889742 (VCV002889742.4), dbSNP rs374471597, ClinGen allele CA7635277.